The following is an entry in ClinVar:

ClinVar aggregate classification (germline): Uncertain significance (1 of 4 stars; one submission).

Conditions:
SRPRA-related disorder. Also called: SRPRA-related condition.

Allele frequency attached by ClinVar (database versions not stated): gnomAD exomes below 0.00001; gnomAD 0.00001; TOPMed 0.00002.

Submission:

PreventionGenetics, part of Exact Sciences
Classification: Uncertain significance for SRPRA-related condition. Last evaluated: 2023-04-21. Review status: criteria provided, single submitter. Criteria: ACMG Guidelines, 2015. Collection method: clinical testing. Allele origin: germline.
Comment: The SRPRA c.303_308del6 variant is predicted to result in an in-frame deletion (p.Gln101_Ala103delinsHis). To our knowledge, this variant has not been reported in the literature or in a large population database, indicating this variant is rare. At this time, the clinical significance of this variant is uncertain due to the absence of conclusive functional and genetic evidence.

NM_003139.4(SRPRA):c.303_308del (p.Gln101_Ala103delinsHis)

Gene: SRPRA (SRP receptor subunit alpha; minus strand). Cytogenetic location: 11q24.2.
Variant type: Deletion.
Coding change: c.303_308del on transcript NM_003139.4 (MANE Select); coding-DNA positions 303 to 308, 6 bases deleted (AAGTGC; older notation c.303_308delAAGTGC).
Protein change: p.Gln101_Ala103delinsHis.
Molecular consequence: inframe indel.
Genome position (GRCh38, 1-based): chr11:126,267,606-126,267,611, GCACTT deleted on the plus strand (AAGTGC on the coding strand, the reverse complement: SRPRA is on the minus strand). VCF-style (leftmost placement, unchanged base first): chr11-126267605-AGCACTT-A. GRCh37 (hg19) VCF-style: chr11-126137500-AGCACTT-A.
Other names: c.219_224del, p.Gln73_Ala75delinsHis (NM_001177842.2).
Identifiers: ClinVar variation 2635792 (VCV002635792.1), dbSNP rs1010365635, ClinGen allele CA230556522.